The following is an entry in ClinVar:

NM_014915.3(ANKRD26):c.2623C>G (p.Gln875Glu)

Gene: ANKRD26 (ankyrin repeat domain containing 26; minus strand). Cytogenetic location: 10p12.1.
Variant type: single nucleotide variant.
Coding change: c.2623C>G on transcript NM_014915.3 (MANE Select); coding-DNA position 2623, C replaced by G.
Protein change: p.Gln875Glu; replaces glutamine 875 with glutamic acid.
Molecular consequence: missense variant.
Genome position (GRCh38, 1-based): chr10:27,037,260, G>C on the plus strand (C>G on the coding strand, the complement: ANKRD26 is on the minus strand). VCF-style: chr10-27037260-G-C. GRCh37 (hg19) VCF-style: chr10-27326189-G-C.
Other names: c.2620C>G, p.Gln874Glu (NM_001256053.2); short protein forms Q874E, Q875E.
Identifiers: ClinVar variation 3915106 (VCV003915106.1).

ClinVar aggregate classification (germline): Uncertain significance (1 of 4 stars; one submission).

Conditions:
Inborn genetic diseases. Identifiers: MedGen C0950123, MeSH D030342.

Submission:

Ambry Genetics
Classification: Uncertain significance for Inborn genetic diseases. Last evaluated: 2025-06-07. Review status: criteria provided, single submitter. Criteria: Ambry Variant Classification Scheme 2023. Collection method: clinical testing. Allele origin: germline.
Comment: The p.Q875E variant (also known as c.2623C>G), located in coding exon 23 of the ANKRD26 gene, results from a C to G substitution at nucleotide position 2623. The glutamine at codon 875 is replaced by glutamic acid, an amino acid with highly similar properties. This amino acid position is conserved. In addition, this alteration is predicted to be tolerated by in silico analysis. Based on the available evidence, the clinical significance of this variant remains unclear.